The following is an entry in ClinVar:

ClinVar aggregate classification (germline): Uncertain significance (1 of 4 stars; one submission).

Submission:

Labcorp Genetics (formerly Invitae), Labcorp
Classification: Uncertain significance. Last evaluated: 2025-07-02. Review status: criteria provided, single submitter. Criteria: Invitae Variant Classification Sherloc (09022015). Collection method: clinical testing. Allele origin: germline.
Comment: This variant, c.37_48dup, results in the insertion of 4 amino acid(s) of the COL9A3 protein (p.Leu13_Leu16dup), but otherwise preserves the integrity of the reading frame. This variant is not present in population databases (gnomAD no frequency). This variant has not been reported in the literature in individuals affected with COL9A3-related conditions. Experimental studies and prediction algorithms are not available or were not evaluated, and the functional significance of this variant is currently unknown. In summary, the available evidence is currently insufficient to determine the role of this variant in disease. Therefore, it has been classified as a Variant of Uncertain Significance.

NM_001853.4(COL9A3):c.31CTGCTC[5] (p.Leu13_Leu16dup)

Gene: COL9A3 (collagen type IX alpha 3 chain; plus strand). Cytogenetic location: 20q13.33.
Variant type: Microsatellite.
Coding change: c.31CTGCTC[5] on transcript NM_001853.4 (MANE Select); five copies in a row of the 6-base unit CTGCTC starting at c.31; the reference has three copies in a row; two copies, 12 bases duplicated.
Protein change: p.Leu13_Leu16dup.
Molecular consequence: inframe insertion.
Genome position (GRCh38, 1-based): chr20:62,817,101-62,817,112, CTGCTCCTGCTC duplicated; duplicating any 12 consecutive bases within chr20:62,817,091-62,817,112 gives the same sequence; the position shown is the placement nearest the transcript's 3' end. VCF-style (leftmost placement, unchanged base first): chr20-62817090-C-CGCTCCTGCTCCT. GRCh37 (hg19) VCF-style: chr20-61448442-C-CGCTCCTGCTCCT.
Identifiers: ClinVar variation 1486712 (VCV001486712.8), dbSNP rs1036479876, ClinGen allele CA2374460839.